The following is an entry in ClinVar:

NM_015978.3(TNNI3K):c.1442G>T (p.Arg481Leu)

Genes: FPGT-TNNI3K (FPGT-TNNI3K readthrough; plus strand), TNNI3K (TNNI3 interacting kinase; plus strand). Cytogenetic location: 1p31.1.
Variant type: single nucleotide variant.
Coding change: c.1442G>T on transcript NM_015978.3 (MANE Select); coding-DNA position 1442, G replaced by T.
Protein change: p.Arg481Leu; replaces arginine 481 with leucine.
Molecular consequence: missense variant.
Genome position (GRCh38, 1-based): chr1:74,369,234, G>T. VCF-style: chr1-74369234-G-T. GRCh37 (hg19) VCF-style: chr1-74834918-G-T.
Other names: c.1745G>T, p.Arg582Leu (NM_001112808.3, NM_001199327.2); short protein forms R481L, R582L.
Identifiers: ClinVar variation 1912666 (VCV001912666.5), dbSNP rs200277259, ClinGen allele CA340785971.

ClinVar aggregate classification (germline): Uncertain significance (1 of 4 stars; one submission).

gnomAD v4.1: 6 of 1,611,788 alleles (0.00037%); highest among the groups gnomAD compares: Non-Finnish European, 0.00051%; no homozygotes.

Submission:

Labcorp Genetics (formerly Invitae), Labcorp
Classification: Uncertain significance. Last evaluated: 2025-12-08. Review status: criteria provided, single submitter. Criteria: Invitae Variant Classification Sherloc (09022015). Collection method: clinical testing. Allele origin: germline.
Comment: This sequence change replaces arginine, which is basic and polar, with leucine, which is neutral and non-polar, at codon 481 of the TNNI3K protein (p.Arg481Leu). The frequency data for this variant in the population databases is considered unreliable, as metrics indicate poor data quality at this position in the gnomAD database. This variant has not been reported in the literature in individuals affected with TNNI3K-related conditions. ClinVar contains an entry for this variant (Variation ID: 1912666). Invitae Evidence Modeling of protein sequence and biophysical properties (such as structural, functional, and spatial information, amino acid conservation, physicochemical variation, residue mobility, and thermodynamic stability) indicates that this missense variant is not expected to disrupt TNNI3K protein function with a negative predictive value of 80%. Algorithms developed to predict the effect of sequence changes on RNA splicing suggest that this variant may disrupt the consensus splice site. In summary, the available evidence is currently insufficient to determine the role of this variant in disease. Therefore, it has been classified as a Variant of Uncertain Significance.